The following is an entry in ClinVar:

ClinVar aggregate classification (germline): Uncertain significance (1 of 4 stars; one submission).

Conditions:
Congenital myasthenic syndrome 8. Also called: MYASTHENIC SYNDROME, CONGENITAL, DUE TO AGRIN DEFICIENCY; Myasthenic syndrome, congenital, 8, with pre- and postsynaptic defects. Identifiers: Orphanet 590, MedGen C3808739, MONDO:0014052, OMIM 615120.

Allele frequency attached by ClinVar (database versions not stated): gnomAD exomes below 0.00001.
gnomAD v4.1: 4 of 1,611,300 alleles (0.00025%); highest among the groups gnomAD compares: South Asian, 0.0044%; no homozygotes.

Submission:

Neuberg Centre For Genomic Medicine, NCGM
Classification: Uncertain significance for Congenital myasthenic syndrome 8. Review status: criteria provided, single submitter. Criteria: ACMG Guidelines, 2015. Collection method: clinical testing. Allele origin: germline. Affected: yes.
Comment: The missense variant p.P621L in AGRN (NM_198576.4) has not been reported previously as a pathogenic variant nor as a benign variant, to our knowledge. The p.P621L variant is observed in 1/30,518 (0.0033%) alleles from individuals of South Asian background in gnomAD Exomes and is novel (not in any individuals) in 1000 Genomes. In silico tools are contradictory in their predictions (SIFT-Tolerate, Polyphen-2-Damaging) and the residue is semiconserved across species. For these reasons, this variant has been classified as Uncertain Significance.

NM_198576.4(AGRN):c.1862C>T (p.Pro621Leu)

Gene: AGRN (agrin; plus strand). Cytogenetic location: 1p36.33.
Variant type: single nucleotide variant.
Coding change: c.1862C>T on transcript NM_198576.4 (MANE Select); coding-DNA position 1862, C replaced by T.
Protein change: p.Pro621Leu; replaces proline 621 with leucine.
Molecular consequence: missense variant.
Genome position (GRCh38, 1-based): chr1:1,043,886, C>T. VCF-style: chr1-1043886-C-T. GRCh37 (hg19) VCF-style: chr1-979266-C-T.
Other names: c.1862C>T, p.Pro621Leu (NM_001305275.2); c.1547C>T, p.Pro516Leu (NM_001364727.2); short protein forms P516L, P621L.
Identifiers: ClinVar variation 1339066 (VCV001339066.2), dbSNP rs1303230782, ClinGen allele CA337834812.